The following is an entry in ClinVar:

ClinVar aggregate classification (germline): Uncertain significance. Review status: criteria provided, multiple submitters, no conflicts (2 of 4 stars). 2 submissions from 2 submitters: Uncertain significance (2). Last evaluated 2024-01-19.

Conditions:
Bethlem myopathy 1A. Also called: Bethlem Muscular Dystrophy; Bethlem myopathy 1; MYOPATHY, BENIGN CONGENITAL, WITH CONTRACTURES. Identifiers: Orphanet 610, MedGen CN029274, MONDO:0024530, OMIM 158810.

Allele frequency attached by ClinVar (database versions not stated): ExAC 0.00001; gnomAD exomes 0.00001; TOPMed 0.00002.
gnomAD v4.1: 19 of 1,613,562 alleles (0.0012%); highest among the groups gnomAD compares: South Asian, 0.0033%; no homozygotes.

Submissions (2):

Labcorp Genetics (formerly Invitae), Labcorp
Classification: Uncertain significance for Bethlem myopathy 1A. Last evaluated: 2024-01-19. Review status: criteria provided, single submitter. Criteria: Invitae Variant Classification Sherloc (09022015). Collection method: clinical testing. Allele origin: germline.
Comment: This sequence change replaces alanine, which is neutral and non-polar, with valine, which is neutral and non-polar, at codon 876 of the COL6A3 protein (p.Ala876Val). This variant is present in population databases (rs771091001, gnomAD 0.003%). This variant has not been reported in the literature in individuals affected with COL6A3-related conditions. ClinVar contains an entry for this variant (Variation ID: 598196). Advanced modeling of protein sequence and biophysical properties (such as structural, functional, and spatial information, amino acid conservation, physicochemical variation, residue mobility, and thermodynamic stability) has been performed at Invitae for this missense variant, however the output from this modeling did not meet the statistical confidence thresholds required to predict the impact of this variant on COL6A3 protein function. In summary, the available evidence is currently insufficient to determine the role of this variant in disease. Therefore, it has been classified as a Variant of Uncertain Significance.

Eurofins Ntd Llc (ga)
Classification: Uncertain significance. Last evaluated: 2018-07-30. Review status: criteria provided, single submitter. Criteria: EGL ClinVar v180209 classification definitions. Collection method: clinical testing. Allele origin: germline. Observed: 1 variant allele, 1 heterozygote.

NM_004369.4(COL6A3):c.2627C>T (p.Ala876Val)

Gene: COL6A3 (collagen type VI alpha 3 chain; minus strand). Cytogenetic location: 2q37.3.
Variant type: single nucleotide variant.
Coding change: c.2627C>T on transcript NM_004369.4 (MANE Select); coding-DNA position 2627, C replaced by T.
Protein change: p.Ala876Val; replaces alanine 876 with valine.
Molecular consequence: missense variant.
Genome position (GRCh38, 1-based): chr2:237,377,215, G>A on the plus strand (C>T on the coding strand, the complement: COL6A3 is on the minus strand). VCF-style: chr2-237377215-G-A. GRCh37 (hg19) VCF-style: chr2-238285858-G-A.
Other names: c.1406C>T, p.Ala469Val (NM_057164.5); c.2009C>T, p.Ala670Val (NM_057165.5, NM_057167.4); c.806C>T, p.Ala269Val (NM_057166.5); short protein forms A876V, A469V, A670V, A269V.
Identifiers: ClinVar variation 598196 (VCV000598196.14), dbSNP rs771091001, ClinGen allele CA2189357.